The following is an entry in ClinVar:

NM_000214.3(JAG1):c.764_765inv (p.Tyr255Cys)

Gene: JAG1 (jagged canonical Notch ligand 1; minus strand). Cytogenetic location: 20p12.2.
Variant type: Inversion.
Coding change: c.764_765inv on transcript NM_000214.3 (MANE Select).
Protein change: p.Tyr255Cys; replaces tyrosine 255 with cysteine.
Molecular consequence: missense variant.
Genome position: GRCh38 VCF-style: chr20-10652589-GT-AC. GRCh37 (hg19) VCF-style: chr20-10633237-GT-AC.
Other names: short protein forms Y255C.
Identifiers: ClinVar variation 2838262 (VCV002838262.3), ClinGen allele CA2739277060.

ClinVar aggregate classification (germline): Uncertain significance (1 of 4 stars; one submission).

Conditions:
Alagille syndrome due to a JAG1 point mutation. Also called: HEPATIC DUCTULAR HYPOPLASIA, SYNDROMATIC; JAG1-Related Alagille Syndrome; Alagille Syndrome 1. Identifiers: Orphanet 261619, Orphanet 52, MedGen C1956125, MONDO:0016862, OMIM 118450.

Submission:

Labcorp Genetics (formerly Invitae), Labcorp
Classification: Uncertain significance for Alagille syndrome due to a JAG1 point mutation. Last evaluated: 2023-03-10. Review status: criteria provided, single submitter. Criteria: Invitae Variant Classification Sherloc (09022015). Collection method: clinical testing. Allele origin: germline.
Comment: This sequence change replaces tyrosine, which is neutral and polar, with cysteine, which is neutral and slightly polar, at codon 255 of the JAG1 protein (p.Tyr255Cys). Information on the frequency of this variant in the gnomAD database is not available, as this variant may be reported differently in the database. This variant has not been reported in the literature in individuals affected with JAG1-related conditions. An algorithm developed to predict the effect of missense changes on protein structure and function (PolyPhen-2) suggests that this variant is likely to be disruptive. In summary, the available evidence is currently insufficient to determine the role of this variant in disease. Therefore, it has been classified as a Variant of Uncertain Significance.